The following is an entry in ClinVar:

NM_001083116.3(PRF1):c.1244C>G (p.Ala415Gly)

Gene: PRF1 (perforin 1; minus strand). Cytogenetic location: 10q22.1.
Variant type: single nucleotide variant.
Coding change: c.1244C>G on transcript NM_001083116.3 (MANE Select); coding-DNA position 1244, C replaced by G.
Protein change: p.Ala415Gly; replaces alanine 415 with glycine.
Molecular consequence: missense variant.
Genome position (GRCh38, 1-based): chr10:70,598,477, G>C on the plus strand (C>G on the coding strand, the complement: PRF1 is on the minus strand). VCF-style: chr10-70598477-G-C. GRCh37 (hg19) VCF-style: chr10-72358233-G-C.
Other names: c.1244C>G, p.Ala415Gly (NM_005041.6); short protein forms A415G.
Identifiers: ClinVar variation 2195723 (VCV002195723.1), dbSNP rs759074628, ClinGen allele CA5538786.

ClinVar aggregate classification (germline): Uncertain significance (1 of 4 stars; one submission).

Conditions:
Familial hemophagocytic lymphohistiocytosis 2 (FHL2). Also called: PRF1-Related Familial Hemophagocytic Lymphohistiocytosis (PRF1-fHLH). Identifiers: Orphanet 540, MedGen C1863727, MONDO:0011337, OMIM 603553.

Allele frequency attached by ClinVar (database versions not stated): TOPMed below 0.00001; gnomAD 0.00001.
gnomAD v4.1: 5 of 1,613,476 alleles (0.00031%); highest among the groups gnomAD compares: East Asian, 0.0089%; no homozygotes.

Submission:

Labcorp Genetics (formerly Invitae), Labcorp
Classification: Uncertain significance for Familial hemophagocytic lymphohistiocytosis 2. Last evaluated: 2022-06-09. Review status: criteria provided, single submitter. Criteria: Invitae Variant Classification Sherloc (09022015). Collection method: clinical testing. Allele origin: germline.
Comment: This sequence change replaces alanine, which is neutral and non-polar, with glycine, which is neutral and non-polar, at codon 415 of the PRF1 protein (p.Ala415Gly). This variant is present in population databases (rs759074628, gnomAD 0.02%). This variant has not been reported in the literature in individuals affected with PRF1-related conditions. Algorithms developed to predict the effect of missense changes on protein structure and function (SIFT, PolyPhen-2, Align-GVGD) all suggest that this variant is likely to be tolerated. In summary, the available evidence is currently insufficient to determine the role of this variant in disease. Therefore, it has been classified as a Variant of Uncertain Significance.